The following is an entry in ClinVar:

NM_014712.3(SETD1A):c.4209_4236del (p.Pro1404fs)

Gene: SETD1A (SET domain containing 1A, histone lysine methyltransferase; plus strand). Cytogenetic location: 16p11.2.
Variant type: Deletion.
Coding change: c.4209_4236del on transcript NM_014712.3 (MANE Select); coding-DNA positions 4209 to 4236, 28 bases deleted (TCCGCCCCCACCCCCGCCGCCACCGCCC).
Protein change: p.Pro1404fs; shifts the reading frame from proline 1404.
Molecular consequence: frameshift variant.
Genome position (GRCh38, 1-based): chr16:30,979,995-30,980,022, TCCGCCCCCACCCCCGCCGCCACCGCCC deleted; deleting any 28 consecutive bases within chr16:30,979,989-30,980,022 gives the same sequence; the c. name uses the placement nearest the transcript's 3' end. VCF-style (leftmost placement, unchanged base first): chr16-30979988-GCCGCCCTCCGCCCCCACCCCCGCCGCCA-G. GRCh37 (hg19) VCF-style: chr16-30991309-GCCGCCCTCCGCCCCCACCCCCGCCGCCA-G.
Other names: c.4209_4236del28 (NM_014712.3); short protein forms P1404fs.
Identifiers: ClinVar variation 3336414 (VCV003336414.1).

ClinVar aggregate classification (germline): Pathogenic (1 of 4 stars; one submission).

Conditions:
Neurodevelopmental disorder with speech impairment and dysmorphic facies. Identifiers: MedGen C5436699, MONDO:0033630, OMIM 619056.

Submission:

Women's Health and Genetics/Laboratory Corporation of America, LabCorp
Classification: Pathogenic for Neurodevelopmental disorder with speech impairment and dysmorphic facies. Last evaluated: 2024-05-23. Review status: criteria provided, single submitter. Criteria: LabCorp Variant Classification Summary - May 2015. Collection method: clinical testing. Allele origin: germline.
Comment: Variant summary: SETD1A c.4209_4236del28 (p.Pro1404AlafsX12) results in a premature termination codon, predicted to cause a truncation of the encoded protein or absence of the protein due to nonsense mediated decay, which are commonly known mechanisms for disease. The variant was absent in 100134 control chromosomes (gnomAD). To our knowledge, no occurrence of c.4209_4236del28 in individuals affected with Neurodevelopmental Disorder With Speech Impairment And Dysmorphic Facies and no experimental evidence demonstrating its impact on protein function have been reported. No submitters have cited clinical-significance assessments for this variant to ClinVar. Based on the evidence outlined above, the variant was classified as pathogenic.